The following is an entry in ClinVar:

NM_018026.4(PACS1):c.2061T>A (p.Ser687=)

Gene: PACS1 (phosphofurin acidic cluster sorting protein 1; plus strand). Cytogenetic location: 11q13.2.
Variant type: single nucleotide variant.
Coding change: c.2061T>A on transcript NM_018026.4 (MANE Select); coding-DNA position 2061, T replaced by A.
Protein change: p.Ser687=; no amino-acid change (serine 687 retained).
Molecular consequence: synonymous variant.
Genome position (GRCh38, 1-based): chr11:66,234,199, T>A. VCF-style: chr11-66234199-T-A. GRCh37 (hg19) VCF-style: chr11-66001670-T-A.
Other names: p.Ser687=.
Identifiers: ClinVar variation 129870 (VCV000129870.24), dbSNP rs572697, ClinGen allele CA154213.

ClinVar aggregate classification (germline): Benign. Review status: criteria provided, multiple submitters, no conflicts (2 of 4 stars). 6 submissions from 6 submitters: Benign (5). 1 of the submissions does not count toward it. Last evaluated 2026-02-03.

Conditions:
Inborn genetic diseases. Identifiers: MedGen C0950123, MeSH D030342.
Schuurs-Hoeijmakers syndrome. Also called: PACS1-Related Neurodevelopmental Disorder. Identifiers: Orphanet 329224, MedGen C3554343, MONDO:0014006, OMIM 615009.

Allele frequency attached by ClinVar (database versions not stated): gnomAD exomes 0.00348; gnomAD 0.01482 and 0.01380; 1000 Genomes Project 0.01258; 1000 Genomes Project 30x 0.01546; ExAC 0.00423; TOPMed 0.01582; ESP Exome Variant Server 0.01594.
gnomAD v4.1: 4,123 of 1,614,152 alleles (0.26%); highest among the groups gnomAD compares: African/African-American, 4.8%; 76 homozygotes.

Submissions (28):

Labcorp Genetics (formerly Invitae), Labcorp
Classification: Benign for Schuurs-Hoeijmakers syndrome. Last evaluated: 2026-02-03. Review status: criteria provided, single submitter. Criteria: Invitae Variant Classification Sherloc (09022015). Collection method: clinical testing. Allele origin: germline.

Mayo Clinic Laboratories, Mayo Clinic
Classification: Benign. Last evaluated: 2023-04-28. Review status: criteria provided, single submitter. Criteria: ACMG Guidelines, 2015. Collection method: clinical testing. Allele origin: germline. Observed: 4 variant alleles.
Comment: BS1, BS2, BP4, BP7

GeneDx
Classification: Benign. Last evaluated: 2019-07-24. Review status: criteria provided, single submitter. Criteria: GeneDx Variant Classification Process June 2021. Collection method: clinical testing. Allele origin: germline. Affected: yes.

Ambry Genetics
Classification: Benign for Inborn genetic diseases. Last evaluated: 2016-06-14. Review status: criteria provided, single submitter. Criteria: Ambry Variant Classification Scheme 2023. Collection method: clinical testing. Allele origin: germline.

Breakthrough Genomics
Classification: Benign. Review status: criteria provided, single submitter. Criteria: ACMG Guidelines, 2015. Collection method: not provided. Allele origin: germline. Inheritance: Autosomal dominant inheritance. Affected: yes.

Dr. Peter K. Rogan Lab, Western University
No classification provided (evidence only). Condition: Clear cell carcinoma of kidney. Review status: no classification provided. Collection method: in vitro. Allele origin: not applicable. Functional consequence: retained intron. Not counted in ClinVar's aggregate classification.

Dr. Peter K. Rogan Lab, Western University
No classification provided (evidence only). Condition: Clear cell carcinoma of kidney. Review status: no classification provided. Collection method: in vitro. Allele origin: not applicable. Functional consequence: retained intron. Not counted in ClinVar's aggregate classification.

Dr. Peter K. Rogan Lab, Western University
No classification provided (evidence only). Condition: Lung cancer. Review status: no classification provided. Collection method: in vitro. Allele origin: not applicable. Functional consequence: retained intron. Not counted in ClinVar's aggregate classification.

Dr. Peter K. Rogan Lab, Western University
No classification provided (evidence only). Condition: Lung cancer. Review status: no classification provided. Collection method: in vitro. Allele origin: not applicable. Functional consequence: retained intron. Not counted in ClinVar's aggregate classification.

Dr. Peter K. Rogan Lab, Western University
No classification provided (evidence only). Condition: Lung cancer. Review status: no classification provided. Collection method: in vitro. Allele origin: not applicable. Functional consequence: retained intron. Not counted in ClinVar's aggregate classification.

Dr. Peter K. Rogan Lab, Western University
No classification provided (evidence only). Condition: Lung cancer. Review status: no classification provided. Collection method: in vitro. Allele origin: not applicable. Functional consequence: retained intron. Not counted in ClinVar's aggregate classification.

Dr. Peter K. Rogan Lab, Western University
No classification provided (evidence only). Condition: Acute myeloid leukemia. Review status: no classification provided. Collection method: in vitro. Allele origin: not applicable. Functional consequence: retained intron. Not counted in ClinVar's aggregate classification.

Dr. Peter K. Rogan Lab, Western University
No classification provided (evidence only). Condition: Colon adenocarcinoma. Review status: no classification provided. Collection method: in vitro. Allele origin: not applicable. Functional consequence: retained intron. Not counted in ClinVar's aggregate classification.

Dr. Peter K. Rogan Lab, Western University
No classification provided (evidence only). Condition: Colorectal cancer. Review status: no classification provided. Collection method: in vitro. Allele origin: not applicable. Functional consequence: retained intron. Not counted in ClinVar's aggregate classification.

Dr. Peter K. Rogan Lab, Western University
No classification provided (evidence only). Condition: Thyroid cancer, nonmedullary, 1. Review status: no classification provided. Collection method: in vitro. Allele origin: not applicable. Functional consequence: retained intron. Not counted in ClinVar's aggregate classification.

Dr. Peter K. Rogan Lab, Western University
No classification provided (evidence only). Condition: Uterine corpus endometrial carcinoma. Review status: no classification provided. Collection method: in vitro. Allele origin: not applicable. Functional consequence: retained intron. Not counted in ClinVar's aggregate classification.

Dr. Peter K. Rogan Lab, Western University
No classification provided (evidence only). Condition: Uterine corpus endometrial carcinoma. Review status: no classification provided. Collection method: in vitro. Allele origin: not applicable. Functional consequence: retained intron. Not counted in ClinVar's aggregate classification.

Dr. Peter K. Rogan Lab, Western University
No classification provided (evidence only). Condition: Uterine corpus endometrial carcinoma. Review status: no classification provided. Collection method: in vitro. Allele origin: not applicable. Functional consequence: retained intron. Not counted in ClinVar's aggregate classification.

Dr. Peter K. Rogan Lab, Western University
No classification provided (evidence only). Condition: Uterine corpus endometrial carcinoma. Review status: no classification provided. Collection method: in vitro. Allele origin: not applicable. Functional consequence: retained intron. Not counted in ClinVar's aggregate classification.

Dr. Peter K. Rogan Lab, Western University
No classification provided (evidence only). Condition: Cervical cancer. Review status: no classification provided. Collection method: in vitro. Allele origin: not applicable. Functional consequence: retained intron. Not counted in ClinVar's aggregate classification.

Dr. Peter K. Rogan Lab, Western University
No classification provided (evidence only). Condition: Cervical cancer. Review status: no classification provided. Collection method: in vitro. Allele origin: not applicable. Functional consequence: skipped exon, retained intron. Not counted in ClinVar's aggregate classification.

Dr. Peter K. Rogan Lab, Western University
No classification provided (evidence only). Condition: Cervical cancer. Review status: no classification provided. Collection method: in vitro. Allele origin: not applicable. Functional consequence: retained intron. Not counted in ClinVar's aggregate classification.

Dr. Peter K. Rogan Lab, Western University
No classification provided (evidence only). Condition: Sarcoma. Review status: no classification provided. Collection method: in vitro. Allele origin: not applicable. Functional consequence: retained intron. Not counted in ClinVar's aggregate classification.

Dr. Peter K. Rogan Lab, Western University
No classification provided (evidence only). Condition: Sarcoma. Review status: no classification provided. Collection method: in vitro. Allele origin: not applicable. Functional consequence: retained intron. Not counted in ClinVar's aggregate classification.

Dr. Peter K. Rogan Lab, Western University
No classification provided (evidence only). Condition: Ovarian serous cystadenocarcinoma. Review status: no classification provided. Collection method: in vitro. Allele origin: not applicable. Functional consequence: retained intron. Not counted in ClinVar's aggregate classification.

Dr. Peter K. Rogan Lab, Western University
No classification provided (evidence only). Condition: Ovarian serous cystadenocarcinoma. Review status: no classification provided. Collection method: in vitro. Allele origin: not applicable. Functional consequence: retained intron. Not counted in ClinVar's aggregate classification.

Dr. Peter K. Rogan Lab, Western University
No classification provided (evidence only). Condition: Gastric cancer. Review status: no classification provided. Collection method: in vitro. Allele origin: not applicable. Functional consequence: retained intron. Not counted in ClinVar's aggregate classification.

Genetic Services Laboratory, University of Chicago
Classification: Likely benign for AllHighlyPenetrant. Review status: no assertion criteria provided. Collection method: clinical testing. Allele origin: germline. Inheritance: Autosomal dominant inheritance. Not counted in ClinVar's aggregate classification.
Comment: Likely benign based on allele frequency in 1000 Genomes Project or ESP global frequency and its presence in a patient with a rare or unrelated disease phenotype. NOT Sanger confirmed.